The following is an entry in ClinVar:

NM_003482.4(KMT2D):c.510+2T>C

Gene: KMT2D (lysine methyltransferase 2D; minus strand). Cytogenetic location: 12q13.12.
Variant type: single nucleotide variant.
Coding change: c.510+2T>C on transcript NM_003482.4 (MANE Select); the canonical splice donor site of the intron after coding-DNA position 510, T replaced by C.
Molecular consequence: splice donor variant.
Genome position (GRCh38, 1-based): chr12:49,054,305, A>G on the plus strand (T>C on the coding strand, the complement: KMT2D is on the minus strand). VCF-style: chr12-49054305-A-G. GRCh37 (hg19) VCF-style: chr12-49448088-A-G.
Identifiers: ClinVar variation 2706687 (VCV002706687.3), dbSNP rs2120707119, ClinGen allele CA384686356.

ClinVar aggregate classification (germline): Likely pathogenic (1 of 4 stars; one submission).

Conditions:
Kabuki syndrome. Also called: Kabuki make-up syndrome; NIIKAWA-KUROKI SYNDROME. Identifiers: Orphanet 2322, MedGen C0796004, MONDO:0016512.

Submission:

Labcorp Genetics (formerly Invitae), Labcorp
Classification: Likely pathogenic for Kabuki syndrome. Last evaluated: 2024-01-08. Review status: criteria provided, single submitter. Criteria: Invitae Variant Classification Sherloc (09022015). Collection method: clinical testing. Allele origin: germline.
Comment: This sequence change affects a donor splice site in intron 4 of the KMT2D gene. It is expected to disrupt RNA splicing. Variants that disrupt the donor or acceptor splice site typically lead to a loss of protein function (PMID: 16199547), and loss-of-function variants in KMT2D are known to be pathogenic (PMID: 22126750). This variant is not present in population databases (gnomAD no frequency). This variant has not been reported in the literature in individuals affected with KMT2D-related conditions. Algorithms developed to predict the effect of sequence changes on RNA splicing suggest that this variant may disrupt the consensus splice site. In summary, the currently available evidence indicates that the variant is pathogenic, but additional data are needed to prove that conclusively. Therefore, this variant has been classified as Likely Pathogenic.

Literature cited by the submitters: PubMed 16199547; PubMed 22126750.